The following is an entry in ClinVar:

NM_025114.4(CEP290):c.3016C>G (p.Gln1006Glu)

Gene: CEP290 (centrosomal protein 290; minus strand). Cytogenetic location: 12q21.32.
Variant type: single nucleotide variant.
Coding change: c.3016C>G on transcript NM_025114.4 (MANE Select); coding-DNA position 3016, C replaced by G.
Protein change: p.Gln1006Glu; replaces glutamine 1006 with glutamic acid.
Molecular consequence: missense variant.
Genome position (GRCh38, 1-based): chr12:88,096,975, G>C on the plus strand (C>G on the coding strand, the complement: CEP290 is on the minus strand). VCF-style: chr12-88096975-G-C. GRCh37 (hg19) VCF-style: chr12-88490752-G-C.
Other names: short protein forms Q1006E.
Identifiers: ClinVar variation 1515168 (VCV001515168.6), dbSNP rs1201691161, ClinGen allele CA386007169.

ClinVar aggregate classification (germline): Uncertain significance (1 of 4 stars; one submission).

Conditions:
Nephronophthisis. Also called: Juvenile Nephronophthisis. Identifiers: Orphanet 655, MedGen C0687120, MONDO:0019005, HP:0000090.
Meckel-Gruber syndrome. Also called: DYSENCEPHALIA SPLANCHNOCYSTICA; GRUBER SYNDROME; Dysencephalia splachnocystica. Identifiers: Orphanet 564, MedGen C0265215, MONDO:0018921.
Joubert syndrome. Also called: CEREBELLOPARENCHYMAL DISORDER IV; JOUBERT-BOLTSHAUSER SYNDROME; Familial aplasia of the vermis. Identifiers: Orphanet 475, MedGen C5979921, MONDO:0018772.

Allele frequency attached by ClinVar (database versions not stated): gnomAD exomes below 0.00001 and 0.00001.
gnomAD v4.1: 1 of 1,557,848 alleles (0.000064%); highest among the groups gnomAD compares: Non-Finnish European, 0.000087%; no homozygotes.

Submission:

Labcorp Genetics (formerly Invitae), Labcorp
Classification: Uncertain significance for Joubert syndrome; Meckel-Gruber syndrome; Nephronophthisis. Last evaluated: 2025-01-23. Review status: criteria provided, single submitter. Criteria: Invitae Variant Classification Sherloc (09022015). Collection method: clinical testing. Allele origin: germline.
Comment: This sequence change replaces glutamine, which is neutral and polar, with glutamic acid, which is acidic and polar, at codon 1006 of the CEP290 protein (p.Gln1006Glu). The frequency data for this variant in the population databases is considered unreliable, as metrics indicate poor data quality at this position in the gnomAD database. This variant has not been reported in the literature in individuals affected with CEP290-related conditions. ClinVar contains an entry for this variant (Variation ID: 1515168). Invitae Evidence Modeling of protein sequence and biophysical properties (such as structural, functional, and spatial information, amino acid conservation, physicochemical variation, residue mobility, and thermodynamic stability) indicates that this missense variant is not expected to disrupt CEP290 protein function with a negative predictive value of 80%. In summary, the available evidence is currently insufficient to determine the role of this variant in disease. Therefore, it has been classified as a Variant of Uncertain Significance.